The following is an entry in ClinVar:

NM_001291303.3(FAT4):c.980del (p.Asp327fs)

Gene: FAT4 (FAT atypical cadherin 4; plus strand). Cytogenetic location: 4q28.1.
Variant type: Deletion.
Coding change: c.980del on transcript NM_001291303.3 (MANE Select); coding-DNA position 980, one base deleted (A; older notation c.980delA).
Protein change: p.Asp327fs; shifts the reading frame from aspartic acid 327.
Molecular consequence: frameshift variant.
Genome position (GRCh38, 1-based): chr4:125,317,391, A deleted. VCF-style (leftmost placement, unchanged base first): chr4-125317390-GA-G. GRCh37 (hg19) VCF-style: chr4-126238545-GA-G.
Other names: c.980del, p.Asp327fs (NM_001291285.3, NM_024582.6); short protein forms D327fs.
Identifiers: ClinVar variation 2632238 (VCV002632238.1), dbSNP rs2530424559, ClinGen allele CA2695198529.
Genomic context (GRCh38, chr4:125,317,390, plus strand): 5'-GTGCGGGAGCCCCTGGACTTCGAAGCTCGGCGCCAATACTCGCTTACGGTGCAGGCGATG[GA>G]CAGAGGCGTGCCTTCCCTCACTGGGCGCGCCGAGGCGCTGATTCAGCTGCTGGACGTGAA-3'

ClinVar aggregate classification (germline): Likely pathogenic (1 of 4 stars; one submission).

Conditions:
FAT4-related disorder. Also called: FAT4-related condition.

Submission:

PreventionGenetics, part of Exact Sciences
Classification: Likely pathogenic for FAT4-related condition. Last evaluated: 2023-06-14. Review status: criteria provided, single submitter. Criteria: ACMG Guidelines, 2015. Collection method: clinical testing. Allele origin: germline.
Comment: The FAT4 c.980delA variant is predicted to result in a frameshift and premature protein termination (p.Asp327Alafs*14). To our knowledge, this variant has not been reported in the literature or in a large population database, indicating this variant is rare. Frameshift variants in FAT4 are expected to be pathogenic. This variant is interpreted as likely pathogenic.